The following is an entry in ClinVar:

NM_020975.6(RET):c.2479C>G (p.Leu827Val)

Gene: RET (ret proto-oncogene; plus strand). Cytogenetic location: 10q11.21.
Variant type: single nucleotide variant.
Coding change: c.2479C>G on transcript NM_020975.6 (MANE Select); coding-DNA position 2479, C replaced by G.
Protein change: p.Leu827Val; replaces leucine 827 with valine.
Molecular consequence: missense variant.
Genome position (GRCh38, 1-based): chr10:43,119,617, C>G. VCF-style: chr10-43119617-C-G. GRCh37 (hg19) VCF-style: chr10-43615065-C-G.
Other names: c.2479C>G, p.Leu827Val (NM_000323.2, NM_001406743.1, NM_001406744.1 and 4 more transcripts); c.1717C>G, p.Leu573Val (NM_001355216.2); c.2350C>G, p.Leu784Val (NM_001406761.1, NM_001406762.1, NM_001406764.1); c.2344C>G, p.Leu782Val (NM_001406763.1, NM_001406765.1); c.2191C>G, p.Leu731Val (NM_001406766.1, NM_001406767.1, NM_001406770.1); c.2215C>G, p.Leu739Val (NM_001406768.1); c.2083C>G, p.Leu695Val (NM_001406769.1, NM_001406772.1); c.2041C>G, p.Leu681Val (NM_001406771.1, NM_001406773.1); and 10 more; short protein forms L573V, L827V, L483V, L485V, L488V, L731V, L344V, L432V.
Identifiers: ClinVar variation 1481958 (VCV001481958.8), dbSNP rs1247476725, ClinGen allele CA376556325.

ClinVar aggregate classification (germline): Conflicting classifications of pathogenicity. Review status: criteria provided, conflicting classifications (1 of 4 stars). 2 submissions from 2 submitters: Uncertain significance (1); Likely benign (1). Last evaluated 2025-07-08.

Conditions:
Hereditary cancer-predisposing syndrome. Also called: Tumor predisposition; Hereditary Cancer Syndrome; Hereditary neoplastic syndrome; Neoplastic Syndromes, Hereditary. Identifiers: Orphanet 140162, MedGen C0027672, MeSH D009386, MONDO:0015356.
Multiple endocrine neoplasia, type 2 (MEN2). Identifiers: Orphanet 653, MedGen C4048306, MONDO:0019003. Disease mechanism: gain of function.

gnomAD v4.1: 1 of 1,612,970 alleles (0.000062%); no homozygotes.

Submissions (2):

Labcorp Genetics (formerly Invitae), Labcorp
Classification: Uncertain significance for Multiple endocrine neoplasia, type 2. Last evaluated: 2025-07-08. Review status: criteria provided, single submitter. Criteria: Invitae Variant Classification Sherloc (09022015). Collection method: clinical testing. Allele origin: germline.
Comment: This sequence change replaces leucine, which is neutral and non-polar, with valine, which is neutral and non-polar, at codon 827 of the RET protein (p.Leu827Val). This variant is not present in population databases (gnomAD no frequency). This variant has not been reported in the literature in individuals affected with RET-related conditions. ClinVar contains an entry for this variant (Variation ID: 1481958). An algorithm developed to predict the effect of missense changes on protein structure and function outputs the following: PolyPhen-2: "Benign". The valine amino acid residue is found in multiple mammalian species, which suggests that this missense change does not adversely affect protein function. In summary, the available evidence is currently insufficient to determine the role of this variant in disease. Therefore, it has been classified as a Variant of Uncertain Significance.

Ambry Genetics
Classification: Likely benign for Hereditary cancer-predisposing syndrome. Last evaluated: 2024-05-02. Review status: criteria provided, single submitter. Criteria: Ambry Variant Classification Scheme 2023. Collection method: clinical testing. Allele origin: germline.